The following is an entry in ClinVar:

NM_032193.4(RNASEH2C):c.472C>T (p.His158Tyr)

Gene: RNASEH2C (ribonuclease H2 subunit C; minus strand). Cytogenetic location: 11q13.1.
Variant type: single nucleotide variant.
Coding change: c.472C>T on transcript NM_032193.4 (MANE Select); coding-DNA position 472, C replaced by T.
Protein change: p.His158Tyr; replaces histidine 158 with tyrosine.
Molecular consequence: missense variant.
Genome position (GRCh38, 1-based): chr11:65,719,806, G>A on the plus strand (C>T on the coding strand, the complement: RNASEH2C is on the minus strand). VCF-style: chr11-65719806-G-A. GRCh37 (hg19) VCF-style: chr11-65487277-G-A.
Other names: short protein forms H158Y.
Identifiers: ClinVar variation 964010 (VCV000964010.9), dbSNP rs759118175, ClinGen allele CA6107600.
Genomic context (GRCh38, chr11:65,719,806, plus strand): 5'-TGAAGGGATCGCAGCTTTGAATTTCAAGCTCTGGTTCTCAGTCCTCGGGCACCTGTGCGT[G>A]AATCTGCAACAGGAGTCGCCTCTACTGTTGGACTTGTAAGACAGGGCGGCAAGCTGGCCC-3'
Protein context (NP_115569.2, residues 148-164): LTWPSLAAAI[His158Tyr]AQVPED

ClinVar aggregate classification (germline): Uncertain significance (1 of 4 stars; one submission).

Conditions:
Aicardi-Goutieres syndrome 3. Identifiers: Orphanet 51, MedGen C1835916, MONDO:0012471, OMIM 610329.

Allele frequency attached by ClinVar (database versions not stated): ExAC 0.00001; gnomAD exomes 0.00001.
gnomAD v4.1: 3 of 1,614,150 alleles (0.00019%); highest among the groups gnomAD compares: Admixed American, 0.0033%; no homozygotes.

Submission:

Labcorp Genetics (formerly Invitae), Labcorp
Classification: Uncertain significance for Aicardi-Goutieres syndrome 3. Last evaluated: 2024-12-09. Review status: criteria provided, single submitter. Criteria: Invitae Variant Classification Sherloc (09022015). Collection method: clinical testing. Allele origin: germline.
Comment: This sequence change replaces histidine, which is basic and polar, with tyrosine, which is neutral and polar, at codon 158 of the RNASEH2C protein (p.His158Tyr). This variant is present in population databases (rs759118175, gnomAD 0.006%). This variant has not been reported in the literature in individuals affected with RNASEH2C-related conditions. ClinVar contains an entry for this variant (Variation ID: 964010). An algorithm developed to predict the effect of missense changes on protein structure and function (PolyPhen-2) suggests that this variant is likely to be disruptive. In summary, the available evidence is currently insufficient to determine the role of this variant in disease. Therefore, it has been classified as a Variant of Uncertain Significance.